The following is an entry in ClinVar:

ClinVar aggregate classification (germline): Uncertain significance (1 of 4 stars; one submission).

Allele frequency attached by ClinVar (database versions not stated): ExAC 0.00001.

Submission:

Labcorp Genetics (formerly Invitae), Labcorp
Classification: Uncertain significance. Last evaluated: 2022-10-05. Review status: criteria provided, single submitter. Criteria: Invitae Variant Classification Sherloc (09022015). Collection method: clinical testing. Allele origin: germline.
Comment: In summary, the available evidence is currently insufficient to determine the role of this variant in disease. Therefore, it has been classified as a Variant of Uncertain Significance. Variants that disrupt the consensus splice site are a relatively common cause of aberrant splicing (PMID: 17576681, 9536098). Algorithms developed to predict the effect of sequence changes on RNA splicing suggest that this variant may disrupt the consensus splice site. Algorithms developed to predict the effect of missense changes on protein structure and function are either unavailable or do not agree on the potential impact of this missense change (SIFT: "Deleterious"; PolyPhen-2: "Benign"; Align-GVGD: "Class C0"). ClinVar contains an entry for this variant (Variation ID: 963809). This missense change has been observed in individual(s) with clinical features of cone-rod dystrophy (Invitae). This variant is not present in population databases (gnomAD no frequency). This sequence change replaces serine, which is neutral and polar, with asparagine, which is neutral and polar, at codon 672 of the TTLL5 protein (p.Ser672Asn). This variant also falls at the last nucleotide of exon 20, which is part of the consensus splice site for this exon.

Literature cited by the submitters: PubMed 17576681; PubMed 9536098.

NM_015072.5(TTLL5):c.2015G>A (p.Ser672Asn)

Gene: TTLL5 (tubulin tyrosine ligase like 5; plus strand). Cytogenetic location: 14q24.3.
Variant type: single nucleotide variant.
Coding change: c.2015G>A on transcript NM_015072.5 (MANE Select); coding-DNA position 2015, G replaced by A.
Protein change: p.Ser672Asn; replaces serine 672 with asparagine.
Molecular consequence: missense variant.
Genome position (GRCh38, 1-based): chr14:75,766,368, G>A. VCF-style: chr14-75766368-G-A. GRCh37 (hg19) VCF-style: chr14-76232711-G-A.
Other names: short protein forms S672N.
Identifiers: ClinVar variation 963809 (VCV000963809.10), dbSNP rs748183829, ClinGen allele CA7279566.
Genomic context (GRCh38, chr14:75,766,368, plus strand): 5'-CTCAGGAGCTAGAGCCTAAATTTAACCTGATGCAGATTCTTCAAGATAATGGCAATCTTA[G>A]GTATGTATCTTTTATAATTATATTAGTAAAACTGATAACAGCTAACTTGTACTGTGTACC-3'
Protein context (NP_055887.3, residues 662-682): MQILQDNGNL[Ser672Asn]KMQARIAFSA